The following is an entry in ClinVar:

NM_018847.4(KLHL9):c.312G>T (p.Lys104Asn)

Gene: KLHL9 (kelch like family member 9; minus strand). Cytogenetic location: 9p21.3.
Variant type: single nucleotide variant.
Coding change: c.312G>T on transcript NM_018847.4 (MANE Select); coding-DNA position 312, G replaced by T.
Protein change: p.Lys104Asn; replaces lysine 104 with asparagine.
Molecular consequence: missense variant.
Genome position (GRCh38, 1-based): chr9:21,334,548, C>A on the plus strand (G>T on the coding strand, the complement: KLHL9 is on the minus strand). VCF-style: chr9-21334548-C-A. GRCh37 (hg19) VCF-style: chr9-21334547-C-A.
Other names: short protein forms K104N.
Identifiers: ClinVar variation 2380129 (VCV002380129.5), dbSNP rs753890367, ClinGen allele CA5010670.

ClinVar aggregate classification (germline): Uncertain significance. Review status: criteria provided, multiple submitters, no conflicts (2 of 4 stars). 2 submissions from 2 submitters: Uncertain significance (2). Last evaluated 2024-05-06.

Allele frequency attached by ClinVar (database versions not stated): ExAC 0.00004; gnomAD 0.00005; TOPMed 0.00005; gnomAD exomes 0.00008.
gnomAD v4.1: 123 of 1,614,032 alleles (0.0076%); highest among the groups gnomAD compares: Non-Finnish European, 0.01%; no homozygotes.

Submissions (2):

Labcorp Genetics (formerly Invitae), Labcorp
Classification: Uncertain significance. Last evaluated: 2024-05-06. Review status: criteria provided, single submitter. Criteria: Invitae Variant Classification Sherloc (09022015). Collection method: clinical testing. Allele origin: germline.
Comment: This sequence change replaces lysine, which is basic and polar, with asparagine, which is neutral and polar, at codon 104 of the KLHL9 protein (p.Lys104Asn). This variant is present in population databases (rs753890367, gnomAD 0.007%). This variant has not been reported in the literature in individuals affected with KLHL9-related conditions. ClinVar contains an entry for this variant (Variation ID: 2380129). Advanced modeling of protein sequence and biophysical properties (such as structural, functional, and spatial information, amino acid conservation, physicochemical variation, residue mobility, and thermodynamic stability) performed at Invitae indicates that this missense variant is not expected to disrupt KLHL9 protein function with a negative predictive value of 80%. In summary, the available evidence is currently insufficient to determine the role of this variant in disease. Therefore, it has been classified as a Variant of Uncertain Significance.

Ambry Genetics
Classification: Uncertain significance. Last evaluated: 2022-08-16. Review status: criteria provided, single submitter. Criteria: Ambry Variant Classification Scheme 2023. Collection method: clinical testing. Allele origin: germline.